The following is an entry in ClinVar:

NM_001128126.3(AP4S1):c.306+2937_306+2938dup

Gene: AP4S1 (adaptor related protein complex 4 subunit sigma 1; plus strand). Cytogenetic location: 14q12.
Variant type: Duplication.
Coding change: c.306+2937_306+2938dup on transcript NM_001128126.3 (MANE Select); bases 2937 to 2938 of the intron after coding-DNA position 306, 2 bases duplicated (TT; older notation c.306+2937_306+2938dupTT).
Molecular consequence: intron variant.
Genome position (GRCh38, 1-based): chr14:31,083,521-31,083,522, TT duplicated; duplicating any 2 consecutive bases within chr14:31,083,497-31,083,522 gives the same sequence; the c. name uses the placement nearest the transcript's 3' end. VCF-style (leftmost placement, unchanged base first): chr14-31083496-C-CTT. GRCh37 (hg19) VCF-style: chr14-31552702-C-CTT.
Other names: c.306+2937_306+2938dup (NM_001254729.2, NM_001254728.2); c.367-5_367-4dup (NM_001254727.2); c.367-1248_367-1247dup (NM_007077.5); c.295-1248_295-1247dup (NM_001254726.2).
Identifiers: ClinVar variation 3057074 (VCV003057074.2), dbSNP rs768336426, ClinGen allele CA7144259.
Genomic context (GRCh38, chr14:31,083,496, plus strand): 5'-GGTCTAAAAGTAGAGCAGGCAGCAGAGAAGGGCATGTGGCACCTCTTTTCTGTTGACACT[C>CTT]TTTTTTTTTTTTTTTTTTTTTTTTTTGAGACAAGGTCTTGCTCTGTCACCCAGGCTGGAG-3'

ClinVar aggregate classification (germline): Likely benign (0 of 4 stars; one submission).

Conditions:
AP4S1-related disorder.

Submission:

PreventionGenetics, part of Exact Sciences
Classification: Likely benign for AP4S1-related condition. Last evaluated: 2019-09-20. Review status: no assertion criteria provided. Collection method: clinical testing. Allele origin: germline.
Comment: This variant is classified as likely benign based on ACMG/AMP sequence variant interpretation guidelines (Richards et al. 2015 PMID: 25741868, with internal and published modifications).